The following is an entry in ClinVar:

ClinVar aggregate classification (germline): Uncertain significance. Review status: criteria provided, multiple submitters, no conflicts (2 of 4 stars). 2 submissions from 2 submitters: Uncertain significance (2). Last evaluated 2025-12-02.

Conditions:
Bethlem myopathy 1A. Also called: Bethlem Muscular Dystrophy; MYOPATHY, BENIGN CONGENITAL, WITH CONTRACTURES; Bethlem myopathy 1. Identifiers: Orphanet 610, MedGen CN029274, MONDO:0024530, OMIM 158810.
Inborn genetic diseases. Identifiers: MedGen C0950123, MeSH D030342.

Allele frequency attached by ClinVar (database versions not stated): gnomAD 0.00002; ExAC 0.00003; gnomAD exomes 0.00004; TOPMed 0.00004.
gnomAD v4.1: 21 of 1,611,230 alleles (0.0013%); highest among the groups gnomAD compares: Admixed American, 0.02%; no homozygotes.

Submissions (2):

Ambry Genetics
Classification: Uncertain significance for Inborn genetic diseases. Last evaluated: 2025-12-02. Review status: criteria provided, single submitter. Criteria: Ambry Variant Classification Scheme 2023. Collection method: clinical testing. Allele origin: germline.

Labcorp Genetics (formerly Invitae), Labcorp
Classification: Uncertain significance for Bethlem myopathy 1A. Last evaluated: 2025-07-31. Review status: criteria provided, single submitter. Criteria: Invitae Variant Classification Sherloc (09022015). Collection method: clinical testing. Allele origin: germline.
Comment: This sequence change replaces glycine, which is neutral and non-polar, with arginine, which is basic and polar, at codon 603 of the COL6A2 protein (p.Gly603Arg). This variant is present in population databases (rs757603350, gnomAD 0.03%). This variant has not been reported in the literature in individuals affected with COL6A2-related conditions. ClinVar contains an entry for this variant (Variation ID: 1001007). Invitae Evidence Modeling of protein sequence and biophysical properties (such as structural, functional, and spatial information, amino acid conservation, physicochemical variation, residue mobility, and thermodynamic stability) indicates that this missense variant is expected to disrupt COL6A2 protein function with a positive predictive value of 80%. In summary, the available evidence is currently insufficient to determine the role of this variant in disease. Therefore, it has been classified as a Variant of Uncertain Significance.

NM_001849.4(COL6A2):c.1807G>A (p.Gly603Arg)

Gene: COL6A2 (collagen type VI alpha 2 chain; plus strand). Cytogenetic location: 21q22.3.
Variant type: single nucleotide variant.
Coding change: c.1807G>A on transcript NM_001849.4 (MANE Select); coding-DNA position 1807, G replaced by A.
Protein change: p.Gly603Arg; replaces glycine 603 with arginine.
Molecular consequence: missense variant.
Genome position (GRCh38, 1-based): chr21:46,125,302, G>A. VCF-style: chr21-46125302-G-A. GRCh37 (hg19) VCF-style: chr21-47545216-G-A.
Other names: c.1807G>A, p.Gly603Arg (NM_058174.3, NM_058175.3); c.1807G>A (NM_001849.3); short protein forms G603R.
Identifiers: ClinVar variation 1001007 (VCV001001007.8), dbSNP rs757603350, ClinGen allele CA10072222.